The following is an entry in ClinVar:

NM_016579.4(CD320):c.242G>A (p.Ser81Asn)

Gene: CD320 (CD320 molecule; minus strand). Cytogenetic location: 19p13.2.
Variant type: single nucleotide variant.
Coding change: c.242G>A on transcript NM_016579.4 (MANE Select); coding-DNA position 242, G replaced by A.
Protein change: p.Ser81Asn; replaces serine 81 with asparagine.
Molecular consequence: missense variant. On other transcripts: intron variant (1).
Genome position (GRCh38, 1-based): chr19:8,305,057, C>T on the plus strand (G>A on the coding strand, the complement: CD320 is on the minus strand). VCF-style: chr19-8305057-C-T. GRCh37 (hg19) VCF-style: chr19-8369941-C-T.
Other names: c.143-969G>A (NM_001165895.2); short protein forms S81N.
Identifiers: ClinVar variation 1714587 (VCV001714587.5), dbSNP rs1970068590, ClinGen allele CA403714918.

ClinVar aggregate classification (germline): Uncertain significance (1 of 4 stars; one submission).

Conditions:
Methylmalonic acidemia due to transcobalamin receptor defect (MATR). Also called: METHYLMALONIC ACIDURIA, TRANSIENT, DUE TO TRANSCOBALAMIN RECEPTOR DEFECT; METHYLMALONIC ACIDEMIA, TCblR TYPE. Identifiers: Orphanet 280183, MedGen C4749905, MONDO:0013341, OMIM 613646.

Submission:

Labcorp Genetics (formerly Invitae), Labcorp
Classification: Uncertain significance for Methylmalonic acidemia due to transcobalamin receptor defect. Last evaluated: 2022-08-05. Review status: criteria provided, single submitter. Criteria: Invitae Variant Classification Sherloc (09022015). Collection method: clinical testing. Allele origin: germline.
Comment: In summary, the available evidence is currently insufficient to determine the role of this variant in disease. Therefore, it has been classified as a Variant of Uncertain Significance. Algorithms developed to predict the effect of missense changes on protein structure and function (SIFT, PolyPhen-2, Align-GVGD) all suggest that this variant is likely to be tolerated. This variant has not been reported in the literature in individuals affected with CD320-related conditions. This variant is not present in population databases (gnomAD no frequency). This sequence change replaces serine, which is neutral and polar, with asparagine, which is neutral and polar, at codon 81 of the CD320 protein (p.Ser81Asn).